The following is an entry in ClinVar:

NM_000094.4(COL7A1):c.4864G>A (p.Gly1622Ser)

Gene: COL7A1 (collagen type VII alpha 1 chain; minus strand). Cytogenetic location: 3p21.31.
Variant type: single nucleotide variant.
Coding change: c.4864G>A on transcript NM_000094.4 (MANE Select); coding-DNA position 4864, G replaced by A.
Protein change: p.Gly1622Ser; replaces glycine 1622 with serine.
Molecular consequence: missense variant.
Genome position (GRCh38, 1-based): chr3:48,581,295, C>T on the plus strand (G>A on the coding strand, the complement: COL7A1 is on the minus strand). VCF-style: chr3-48581295-C-T. GRCh37 (hg19) VCF-style: chr3-48618728-C-T.
Other names: short protein forms G1622S.
Identifiers: ClinVar variation 2851789 (VCV002851789.3), dbSNP rs786205561, ClinGen allele CA352683408.
Genomic context (GRCh38, chr3:48,581,295, plus strand): 5'-GACTCCCCCGACTCCAGCCTCTTACATCTCGTCCTCGGGGGCCAACAGGTCCTGGGGGGC[C>T]AGGCCGCCCAGGGTCTCCCTTCTCTCCAGGAGGCCCTGAGTCACCCTGTGGAGGAGGCAA-3'
Protein context (NP_000085.1, residues 1612-1632): PGEKGDPGRP[Gly1622Ser]PPGPVGPRGR

ClinVar aggregate classification (germline): Likely pathogenic (1 of 4 stars; one submission).

Submission:

Labcorp Genetics (formerly Invitae), Labcorp
Classification: Likely pathogenic. Last evaluated: 2023-04-03. Review status: criteria provided, single submitter. Criteria: Invitae Variant Classification Sherloc (09022015). Collection method: clinical testing. Allele origin: germline.
Comment: In summary, the currently available evidence indicates that the variant is pathogenic, but additional data are needed to prove that conclusively. Therefore, this variant has been classified as Likely Pathogenic. This variant disrupts the p.Gly1622 amino acid residue in COL7A1. Other variant(s) that disrupt this residue have been determined to be pathogenic (PMID: 35222512). This suggests that this residue is clinically significant, and that variants that disrupt this residue are likely to be disease-causing. This variant disrupts the triple helix domain of COL7A1. Glycine residues within the Gly-Xaa-Yaa repeats of the triple helix domain are required for the structure and stability of fibrillar collagens (PMID: 7695699, 8218237, 19344236), and variants at these glycine residues in COL7A1 are more frequently observed in individuals with disease than in the general population (PMID: 22058051). However, the clinical significance of this observation remains uncertain since only a limited number of affected individuals have been described to date. Advanced modeling of protein sequence and biophysical properties (such as structural, functional, and spatial information, amino acid conservation, physicochemical variation, residue mobility, and thermodynamic stability) performed at Invitae indicates that this missense variant is expected to disrupt COL7A1 protein function. This variant has not been reported in the literature in individuals affected with COL7A1-related conditions. This variant is not present in population databases (gnomAD no frequency). This sequence change replaces glycine, which is neutral and non-polar, with serine, which is neutral and polar, at codon 1622 of the COL7A1 protein (p.Gly1622Ser).

Literature cited by the submitters: PubMed 35222512; PubMed 7695699; PubMed 8218237; PubMed 19344236; PubMed 22058051.